The following is an entry in ClinVar:

NM_001368894.2(PAX6):c.495_496delinsTT (p.Gln166Ter)

Gene: PAX6 (paired box 6; minus strand). Cytogenetic location: 11p13.
Variant type: Indel.
Coding change: c.495_496delinsTT on transcript NM_001368894.2 (MANE Select); coding-DNA positions 495 to 496, GC replaced by TT.
Protein change: p.Gln166Ter; replaces glutamine 166 with a stop codon.
Molecular consequence: nonsense. On other transcripts: non-coding transcript variant (2).
Genome position (GRCh38, 1-based): chr11:31,800,760-31,800,761, GC replaced by AA on the plus strand (GC replaced by TT on the coding strand, the reverse complement: PAX6 is on the minus strand). VCF-style: chr11-31800760-GC-AA. GRCh37 (hg19) VCF-style: chr11-31822308-GC-AA.
Other names: c.453_454delinsTT, p.Gln152Ter (NM_000280.6, NM_001127612.3, NM_001258464.2 and 10 more transcripts); c.495_496delinsTT, p.Gln166Ter (NM_001258462.3, NM_001258463.2, NM_001310158.2 and 6 more transcripts); c.45_46delinsTT, p.Gln16Ter (NM_001310160.2, NM_001310161.3, NM_001368899.2 and 11 more transcripts); c.696_697delinsTT, p.Gln233Ter (NM_001368910.2); c.498_499delinsTT, p.Gln167Ter (NM_001368911.2); c.570_571delinsTT, p.Gln191Ter (NM_001368918.2, NM_001368919.2); c.528_529delinsTT, p.Gln177Ter (NM_001368920.2); c.294_295delinsTT, p.Gln99Ter (NM_001368921.2, NM_001368922.2, NM_001368923.2 and 4 more transcripts); and 1 more; short protein forms Q152*, Q16*, Q167*, Q233*, Q99*, Q166*, Q177*, Q191*.
Identifiers: ClinVar variation 843371 (VCV000843371.8), dbSNP rs1953513506, ClinGen allele CA916082349.

ClinVar aggregate classification (germline): Pathogenic (1 of 4 stars; one submission).

Conditions:
Aniridia 1 (AN1). Identifiers: Orphanet 250923, MedGen C0344542, MONDO:0024507, OMIM 106210.
Irido-corneo-trabecular dysgenesis (ASGD5). Also called: ANTERIOR SEGMENT DYSGENESIS 5. Identifiers: Orphanet 708, MedGen C0344559, MONDO:0011414, OMIM 604229, HP:0000659.

Submission:

Labcorp Genetics (formerly Invitae), Labcorp
Classification: Pathogenic for Aniridia 1; Irido-corneo-trabecular dysgenesis. Last evaluated: 2019-12-19. Review status: criteria provided, single submitter. Criteria: Invitae Variant Classification Sherloc (09022015). Collection method: clinical testing. Allele origin: germline.
Comment: For these reasons, this variant has been classified as Pathogenic. Loss-of-function variants in PAX6 are known to be pathogenic (PMID: 12634864). Algorithms developed to predict the effect of sequence changes on RNA splicing suggest that this variant may create or strengthen a splice site, but this prediction has not been confirmed by published transcriptional studies. This variant has not been reported in the literature in individuals with PAX6-related conditions. This variant is not present in population databases (ExAC no frequency). This sequence change creates a premature translational stop signal (p.Gln152*) in the PAX6 gene. It is expected to result in an absent or disrupted protein product.

Literature cited by the submitters: PubMed 12634864.